The following is an entry in ClinVar:

NM_001278669.2(NFATC1):c.364A>G (p.Ile122Val)

Gene: NFATC1 (nuclear factor of activated T cells 1; plus strand). Cytogenetic location: 18q23.
Variant type: single nucleotide variant.
Coding change: c.364A>G on transcript NM_001278669.2 (MANE Select); coding-DNA position 364, A replaced by G.
Protein change: p.Ile122Val; replaces isoleucine 122 with valine.
Molecular consequence: missense variant. On other transcripts: intron variant (2).
Genome position (GRCh38, 1-based): chr18:79,410,639, A>G. VCF-style: chr18-79410639-A-G. GRCh37 (hg19) VCF-style: chr18-77170639-A-G.
Other names: c.364A>G, p.Ile122Val (NM_001278670.2, NM_006162.5, NM_172390.3); c.325A>G, p.Ile109Val (NM_001278672.2, NM_001278675.2, NM_172387.3 and 1 more transcripts); c.-191+14288A>G (NM_172388.3); c.-191+10160A>G (NM_001278673.2); short protein forms I109V, I122V.
Identifiers: ClinVar variation 4978072 (VCV004978072.1).

ClinVar aggregate classification (germline): Uncertain significance (1 of 4 stars; one submission).

Conditions:
NFATC1-related disorder. Also called: NFATC1-related condition.

gnomAD v4.1: 2 of 1,613,060 alleles (0.00012%); highest among the groups gnomAD compares: East Asian, 0.0045%; no homozygotes.

Submission:

PreventionGenetics, part of Exact Sciences
Classification: Uncertain significance for NFATC1-related condition. Last evaluated: 2026-07-23. Review status: criteria provided, single submitter. Criteria: ACMG Guidelines, 2015. Collection method: clinical testing. Allele origin: germline.
Comment: The NFATC1 c.364A>G variant is predicted to result in the amino acid substitution p.Ile122Val. To our knowledge, this variant has not been reported in the literature or in a large population database (gnomAD), indicating this variant is rare. At this time, the clinical significance of this variant is uncertain due to the absence of conclusive functional and genetic evidence.